The following is an entry in ClinVar:

ClinVar aggregate classification (germline): Uncertain significance. Review status: criteria provided, multiple submitters, no conflicts (2 of 4 stars). 5 submissions from 5 submitters: Uncertain significance (5). Last evaluated 2026-05-07.

Conditions:
Retinitis pigmentosa 71 (RP71). Identifiers: Orphanet 791, MedGen C4225342, MONDO:0014618, OMIM 616394.
Short-rib thoracic dysplasia 10 with or without polydactyly (SRTD10). Identifiers: Orphanet 474, MedGen C3810175, MONDO:0014284, OMIM 615630.
Bardet-Biedl syndrome 20. Identifiers: MedGen C4310707, MONDO:0023670, OMIM 619471, MONDO:0014926.
IFT172-related disorder. Also called: IFT172-related condition; IFT172-related disorders.
Inborn genetic diseases. Identifiers: MedGen C0950123, MeSH D030342.

Allele frequency attached by ClinVar (database versions not stated): gnomAD exomes 0.00001 and 0.00002; ExAC 0.00004; gnomAD 0.00006 and 0.00008; ESP Exome Variant Server 0.00008; TOPMed 0.00015; 1000 Genomes Project 30x 0.00016; 1000 Genomes Project 0.00020.
gnomAD v4.1: 49 of 1,614,120 alleles (0.003%); highest among the groups gnomAD compares: Middle Eastern, 0.066%; no homozygotes.

Submissions (5):

PreventionGenetics, part of Exact Sciences
Classification: Uncertain significance for IFT172-related condition. Last evaluated: 2026-05-07. Review status: criteria provided, single submitter. Criteria: ACMG Guidelines, 2015. Collection method: clinical testing. Allele origin: germline.
Comment: The IFT172 c.4284C>G variant is predicted to result in the amino acid substitution p.Asp1428Glu. To our knowledge, this variant has not been reported in the literature. This variant is reported in 0.0062% of alleles in individuals of African descent in gnomAD. At this time, the clinical significance of this variant is uncertain due to the absence of conclusive functional and genetic evidence.

Labcorp Genetics (formerly Invitae), Labcorp
Classification: Uncertain significance for Retinitis pigmentosa 71; Short-rib thoracic dysplasia 10 with or without polydactyly. Last evaluated: 2026-01-20. Review status: criteria provided, single submitter. Criteria: Invitae Variant Classification Sherloc (09022015). Collection method: clinical testing. Allele origin: germline.
Comment: This sequence change replaces aspartic acid, which is acidic and polar, with glutamic acid, which is acidic and polar, at codon 1428 of the IFT172 protein (p.Asp1428Glu). This variant is present in population databases (rs199502476, gnomAD 0.01%). This variant has not been reported in the literature in individuals affected with IFT172-related conditions. ClinVar contains an entry for this variant (Variation ID: 1005129). Invitae Evidence Modeling of protein sequence and biophysical properties (such as structural, functional, and spatial information, amino acid conservation, physicochemical variation, residue mobility, and thermodynamic stability) indicates that this missense variant is not expected to disrupt IFT172 protein function with a negative predictive value of 95%. In summary, the available evidence is currently insufficient to determine the role of this variant in disease. Therefore, it has been classified as a Variant of Uncertain Significance.

Ambry Genetics
Classification: Uncertain significance for Inborn genetic diseases. Last evaluated: 2025-11-20. Review status: criteria provided, single submitter. Criteria: Ambry Variant Classification Scheme 2023. Collection method: clinical testing. Allele origin: germline.

Blueprint Genetics
Classification: Uncertain significance. Last evaluated: 2024-10-02. Review status: criteria provided, single submitter. Criteria: ACMG Guidelines, 2015. Collection method: clinical testing. Allele origin: germline.

Fulgent Genetics
Classification: Uncertain significance for Short-rib thoracic dysplasia 10 with or without polydactyly; Retinitis pigmentosa 71; Bardet-Biedl syndrome 20. Last evaluated: 2024-03-22. Review status: criteria provided, single submitter. Criteria: ACMG Guidelines, 2015. Collection method: clinical testing. Allele origin: germline.

NM_015662.3(IFT172):c.4284C>G (p.Asp1428Glu)

Gene: IFT172 (intraflagellar transport 172; minus strand). Cytogenetic location: 2p23.3.
Variant type: single nucleotide variant.
Coding change: c.4284C>G on transcript NM_015662.3 (MANE Select); coding-DNA position 4284, C replaced by G.
Protein change: p.Asp1428Glu; replaces aspartic acid 1428 with glutamic acid.
Molecular consequence: missense variant.
Genome position (GRCh38, 1-based): chr2:27,449,321, G>C on the plus strand (C>G on the coding strand, the complement: IFT172 is on the minus strand). VCF-style: chr2-27449321-G-C. GRCh37 (hg19) VCF-style: chr2-27672188-G-C.
Other names: c.4284C>G (NM_015662.2, NM_015662.1); short protein forms D1428E.
Identifiers: ClinVar variation 1005129 (VCV001005129.13), dbSNP rs199502476, ClinGen allele CA1579663.
Genomic context (GRCh38, chr2:27,449,321, plus strand): 5'-AAAGAAAAACTGGGAATGGGAAGAGAGCAGTACCTGCTTGGTAGCTGTTTCAATGCACTT[G>C]TCCCACTGGCCCTGCTCCACATACAGGTCCAAAGCAGCTATCACATCCACACCCACCAGC-3'
Protein context (NP_056477.1, residues 1418-1438): LDLYVEQGQW[Asp1428Glu]KCIETATKQN